The following is an entry in ClinVar:

NM_001360.3(DHCR7):c.322-285T>G

Gene: DHCR7 (7-dehydrocholesterol reductase; minus strand). Cytogenetic location: 11q13.4.
Variant type: single nucleotide variant.
Coding change: c.322-285T>G on transcript NM_001360.3 (MANE Select); 285 bases into the intron before coding-DNA position 322, T replaced by G.
Molecular consequence: intron variant.
Genome position (GRCh38, 1-based): chr11:71,442,638, A>C on the plus strand (T>G on the coding strand, the complement: DHCR7 is on the minus strand). VCF-style: chr11-71442638-A-C. GRCh37 (hg19) VCF-style: chr11-71153684-A-C.
Other names: c.322-285T>G (NM_001425120.1, NM_001425109.1, NM_001163817.2 and 7 more transcripts); c.226-285T>G (NM_001425114.1, NM_001425116.1); c.262-285T>G (NM_001425113.1); c.358-285T>G (NM_001425108.1); c.148-285T>G (NM_001425117.1).
Identifiers: ClinVar variation 4850831 (VCV004850831.1).
Genomic context (GRCh38, chr11:71,442,638, plus strand): 5'-CCCCTCAGGAGAGCGCACAGGTCCCTCCCAGTCACCTTTTTAAAATGGAGAATCCCATAA[A>C]ATTCAACTTTTTATATATATATATAAATCTATCTTTGAGATGAGGTCTTGTTCTACCACC-3'

ClinVar aggregate classification (germline): Uncertain significance (1 of 4 stars; one submission).

gnomAD v4.1: 36 of 152,202 alleles (0.024%); highest among the groups gnomAD compares: Admixed American, 0.052%; no homozygotes.

Submission:

Greenwood Genetic Center Diagnostic Laboratories, Greenwood Genetic Center
Classification: Uncertain significance. Last evaluated: 2025-03-19. Review status: criteria provided, single submitter. Criteria: ACMG Guidelines, 2015. Collection method: clinical testing. Allele origin: germline.
Comment: PM3_Supporting, BP4